The following is an entry in ClinVar:

NM_006158.5(NEFL):c.494A>C (p.Glu165Ala)

Gene: NEFL (neurofilament light chain; minus strand). Cytogenetic location: 8p21.2.
Variant type: single nucleotide variant.
Coding change: c.494A>C on transcript NM_006158.5 (MANE Select); coding-DNA position 494, A replaced by C.
Protein change: p.Glu165Ala; replaces glutamic acid 165 with alanine.
Molecular consequence: missense variant.
Genome position (GRCh38, 1-based): chr8:24,956,022, T>G on the plus strand (A>C on the coding strand, the complement: NEFL is on the minus strand). VCF-style: chr8-24956022-T-G. GRCh37 (hg19) VCF-style: chr8-24813536-T-G.
Other names: c.494A>C (NM_006158.3); short protein forms E165A.
Identifiers: ClinVar variation 2154340 (VCV002154340.5), dbSNP rs767767512, ClinGen allele CA4681494.

ClinVar aggregate classification (germline): Uncertain significance. Review status: criteria provided, multiple submitters, no conflicts (2 of 4 stars). 2 submissions from 2 submitters: Uncertain significance (2). Last evaluated 2022-04-20.

Conditions:
Charcot-Marie-Tooth disease type 2E (CMT2E). Also called: CHARCOT-MARIE-TOOTH DISEASE, AXONAL, TYPE 2E; CHARCOT-MARIE-TOOTH NEUROPATHY, TYPE 2E. Identifiers: Orphanet 99939, MedGen C1843225, MONDO:0011894, OMIM 607684.
Inborn genetic diseases. Identifiers: MedGen C0950123, MeSH D030342.

Allele frequency attached by ClinVar (database versions not stated): gnomAD 0.00001; ExAC 0.00002; TOPMed 0.00002.
gnomAD v4.1: 11 of 1,604,742 alleles (0.00069%); highest among the groups gnomAD compares: Admixed American, 0.018%; no homozygotes.

Submissions (2):

Labcorp Genetics (formerly Invitae), Labcorp
Classification: Uncertain significance for Charcot-Marie-Tooth disease type 2E. Last evaluated: 2022-04-20. Review status: criteria provided, single submitter. Criteria: Invitae Variant Classification Sherloc (09022015). Collection method: clinical testing. Allele origin: germline.
Comment: In summary, the available evidence is currently insufficient to determine the role of this variant in disease. Therefore, it has been classified as a Variant of Uncertain Significance. Experimental studies and prediction algorithms are not available or were not evaluated, and the functional significance of this variant is currently unknown. This variant has not been reported in the literature in individuals affected with NEFL-related conditions. This variant is present in population databases (rs767767512, gnomAD 0.03%). This sequence change replaces glutamic acid, which is acidic and polar, with alanine, which is neutral and non-polar, at codon 165 of the NEFL protein (p.Glu165Ala).

Ambry Genetics
Classification: Uncertain significance for Inborn genetic diseases. Last evaluated: 2021-10-05. Review status: criteria provided, single submitter. Criteria: Ambry Variant Classification Scheme 2023. Collection method: clinical testing. Allele origin: germline.